The following is an entry in ClinVar:

ClinVar aggregate classification (germline): Conflicting classifications of pathogenicity. Review status: criteria provided, conflicting classifications (1 of 4 stars). 5 submissions from 5 submitters: Uncertain significance (4); Benign (1). Last evaluated 2024-09-05.

Conditions:
Hereditary cancer-predisposing syndrome. Also called: Hereditary Cancer Syndrome; Hereditary neoplastic syndrome; Tumor predisposition; Neoplastic Syndromes, Hereditary. Identifiers: Orphanet 140162, MedGen C0027672, MeSH D009386, MONDO:0015356.
Peutz-Jeghers syndrome (PJS). Also called: Peutz-Jeghers polyposis; Periorificial lentiginosis syndrome; POLYPOSIS, HAMARTOMATOUS INTESTINAL; POLYPS-AND-SPOTS SYNDROME. Identifiers: Orphanet 2869, MedGen C0031269, MeSH D010580, MONDO:0008280, OMIM 175200.

gnomAD v4.1: 20 of 1,541,228 alleles (0.0013%); highest among the groups gnomAD compares: South Asian, 0.021%; no homozygotes.

Submissions (5):

Ambry Genetics
Classification: Benign for Hereditary cancer-predisposing syndrome. Last evaluated: 2024-09-05. Review status: criteria provided, single submitter. Criteria: Ambry Variant Classification Scheme 2023. Collection method: clinical testing. Allele origin: germline.

Labcorp Genetics (formerly Invitae), Labcorp
Classification: Uncertain significance for Peutz-Jeghers syndrome. Last evaluated: 2024-02-17. Review status: criteria provided, single submitter. Criteria: Invitae Variant Classification Sherloc (09022015). Collection method: clinical testing. Allele origin: germline.
Comment: This sequence change replaces alanine, which is neutral and non-polar, with valine, which is neutral and non-polar, at codon 429 of the STK11 protein (p.Ala429Val). This variant is present in population databases (rs757369900, gnomAD 0.02%). This variant has not been reported in the literature in individuals affected with STK11-related conditions. ClinVar contains an entry for this variant (Variation ID: 439301). Advanced modeling of protein sequence and biophysical properties (such as structural, functional, and spatial information, amino acid conservation, physicochemical variation, residue mobility, and thermodynamic stability) performed at Invitae indicates that this missense variant is not expected to disrupt STK11 protein function with a negative predictive value of 95%. RNA analysis performed to evaluate the impact of this missense change on mRNA splicing indicates it does not significantly alter splicing (Invitae). In summary, the available evidence is currently insufficient to determine the role of this variant in disease. Therefore, it has been classified as a Variant of Uncertain Significance.

Genome-Nilou Lab
Classification: Uncertain significance for Peutz-Jeghers syndrome. Last evaluated: 2021-07-15. Review status: criteria provided, single submitter. Criteria: ACMG Guidelines, 2015. Collection method: clinical testing. Allele origin: germline. Affected: no.

Color Diagnostics, LLC DBA Color Health
Classification: Uncertain significance for Hereditary cancer-predisposing syndrome. Last evaluated: 2019-06-20. Review status: criteria provided, single submitter. Criteria: ACMG Guidelines, 2015. Collection method: clinical testing. Allele origin: germline.

Quest Diagnostics Nichols Institute San Juan Capistrano
Classification: Uncertain significance. Last evaluated: 2016-07-28. Review status: criteria provided, single submitter. Criteria: Quest Diagnostics criteria. Collection method: clinical testing. Allele origin: germline.

NM_000455.5(STK11):c.1286C>T (p.Ala429Val)

Gene: STK11 (serine/threonine kinase 11; plus strand). Cytogenetic location: 19p13.3.
Variant type: single nucleotide variant.
Coding change: c.1286C>T on transcript NM_000455.5 (MANE Select); coding-DNA position 1286, C replaced by T.
Protein change: p.Ala429Val; replaces alanine 429 with valine.
Molecular consequence: missense variant.
Genome position (GRCh38, 1-based): chr19:1,226,631, C>T. VCF-style: chr19-1226631-C-T. GRCh37 (hg19) VCF-style: chr19-1226630-C-T.
Other names: short protein forms A429V.
Identifiers: ClinVar variation 439301 (VCV000439301.15), dbSNP rs757369900, ClinGen allele CA046314.
Genomic context (GRCh38, chr19:1,226,631, plus strand): 5'-GGGCCCCCAACCCTGCCCGCAAGGCCTGCTCCGCCAGCAGCAAGATCCGCCGGCTGTCGG[C>T]CTGCAAGCAGCAGTGAGGCTGGCCGCCTGCAGGTGGGGCGCGGCGGGGCCCGGGTGGGGC-3'
Protein context (NP_000446.1, residues 419-433): SASSKIRRLS[Ala429Val]CKQQ